The following is an entry in ClinVar:

ClinVar aggregate classification (germline): Uncertain significance (1 of 4 stars; one submission).

Conditions:
CREBBP-related disorder. Also called: CREBBP-related condition; CREBBP-related disorders.

Submission:

PreventionGenetics, part of Exact Sciences
Classification: Uncertain significance for CREBBP-related condition. Last evaluated: 2026-06-18. Review status: criteria provided, single submitter. Criteria: ACMG Guidelines, 2015. Collection method: clinical testing. Allele origin: germline.
Comment: The CREBBP c.934A>T variant is predicted to result in the amino acid substitution p.Thr312Ser. To our knowledge, this variant has not been reported in the literature or in a large population database (gnomAD), indicating this variant is rare. At this time, the clinical significance of this variant is uncertain due to the absence of conclusive functional and genetic evidence.

NM_004380.3(CREBBP):c.934A>T (p.Thr312Ser)

Gene: CREBBP (CREB binding lysine acetyltransferase; minus strand). Cytogenetic location: 16p13.3.
Variant type: single nucleotide variant.
Coding change: c.934A>T on transcript NM_004380.3 (MANE Select); coding-DNA position 934, A replaced by T.
Protein change: p.Thr312Ser; replaces threonine 312 with serine.
Molecular consequence: missense variant.
Genome position (GRCh38, 1-based): chr16:3,810,644, T>A on the plus strand (A>T on the coding strand, the complement: CREBBP is on the minus strand). VCF-style: chr16-3810644-T-A. GRCh37 (hg19) VCF-style: chr16-3860645-T-A.
Other names: c.934A>T, p.Thr312Ser (NM_001079846.1); short protein forms T312S.
Identifiers: ClinVar variation 4992831 (VCV004992831.1).
Genomic context (GRCh38, chr16:3,810,644, plus strand): 5'-AGGGCCAAGGGTAACTTACCATATTTGGCACGTTGGTGACTGAAGTATTCTTGATATCTG[T>A]AGGGAAGGTGGGCAAACTGTTGACCATGCTCTGTTTGCTGGCTAACTGGGGGTTCACTCC-3'
Protein context (NP_004371.2, residues 302-322): SMVNSLPTFP[Thr312Ser]DIKNTSVTNV